The following is an entry in ClinVar:

ClinVar aggregate classification (germline): Benign (1 of 4 stars; one submission).

Conditions:
Papillary renal cell carcinoma type 1 (RCCP1). Also called: Renal adenocarcinoma; Renal cell carcinoma 1; Renal cell carcinoma, somatic; RENAL CELL CARCINOMA, PAPILLARY, 1, SOMATIC. Identifiers: Orphanet 47044, MedGen C1336839, OMIM 605074, HP:0011797.

gnomAD v4.1: 1 of 1,614,044 alleles (0.000062%); highest among the groups gnomAD compares: South Asian, 0.0011%; no homozygotes.

Submission:

Myriad Genetics, Inc.
Classification: Benign for Papillary renal cell carcinoma type 1. Last evaluated: 2024-11-07. Review status: criteria provided, single submitter. Criteria: Myriad Autosomal Dominant, Autosomal Recessive and X-Linked Classification Criteria (2023). Collection method: clinical testing. Allele origin: unknown.
Comment: This variant is considered benign. This variant is a silent/synonymous amino acid change and it is not expected to impact splicing.

NM_000245.4(MET):c.1509G>T (p.Leu503=)

Gene: MET (MET proto-oncogene, receptor tyrosine kinase; plus strand). Cytogenetic location: 7q31.2.
Variant type: single nucleotide variant.
Coding change: c.1509G>T on transcript NM_000245.4 (MANE Select); coding-DNA position 1509, G replaced by T.
Protein change: p.Leu503=; no amino-acid change (leucine 503 retained).
Molecular consequence: synonymous variant.
Genome position (GRCh38, 1-based): chr7:116,740,066, G>T. VCF-style: chr7-116740066-G-T. GRCh37 (hg19) VCF-style: chr7-116380120-G-T.
Other names: c.1509G>T, p.Leu503= (NM_001127500.3, NM_001324401.3); c.219G>T, p.Leu73= (NM_001324402.2).
Identifiers: ClinVar variation 3773092 (VCV003773092.1).